The following is an entry in ClinVar:

ClinVar aggregate classification (germline): Uncertain significance. Review status: criteria provided, single submitter (1 of 4 stars). 2 submissions from 2 submitters: Uncertain significance (1). 1 of the submissions does not count toward it. Last evaluated 2024-10-16.

Conditions:
Familial hypocalciuric hypercalcemia 1. Also called: Hypercalcemia, familial benign type 1. Identifiers: Orphanet 405, Orphanet 93372, MedGen C0342637, MONDO:0007791, OMIM 145980.
Familial hypocalciuric hypercalcemia (FHH). Also called: Familial benign hypercalcemia. Identifiers: Orphanet 405, MedGen C1809471, MONDO:0018458.
Autosomal dominant hypocalcemia 1 (HYPOC1). Also called: HYPOCALCEMIA, FAMILIAL. Identifiers: MedGen C3715128, MONDO:0011013, OMIM 601198.

Submissions (2):

Labcorp Genetics (formerly Invitae), Labcorp
Classification: Uncertain significance for Familial hypocalciuric hypercalcemia; Autosomal dominant hypocalcemia 1. Last evaluated: 2024-10-16. Review status: criteria provided, single submitter. Criteria: Invitae Variant Classification Sherloc (09022015). Collection method: clinical testing. Allele origin: germline.
Comment: This sequence change replaces cysteine, which is neutral and slightly polar, with arginine, which is basic and polar, at codon 565 of the CASR protein (p.Cys565Arg). This variant is not present in population databases (gnomAD no frequency). This variant has not been reported in the literature in individuals affected with CASR-related conditions. ClinVar contains an entry for this variant (Variation ID: 801343). An algorithm developed to predict the effect of missense changes on protein structure and function (PolyPhen-2) suggests that this variant is likely to be disruptive. In summary, the available evidence is currently insufficient to determine the role of this variant in disease. Therefore, it has been classified as a Variant of Uncertain Significance.

Institute of Human Genetics, Cologne University
Classification: Uncertain significance for Familial hypocalciuric hypercalcemia 1. Review status: no assertion criteria provided. Collection method: clinical testing. Allele origin: unknown. Affected: yes. Observed: 1 heterozygote. Not counted in ClinVar's aggregate classification.

NM_000388.4(CASR):c.1693T>C (p.Cys565Arg)

Gene: CASR (calcium sensing receptor; plus strand). Cytogenetic location: 3q21.1.
Variant type: single nucleotide variant.
Coding change: c.1693T>C on transcript NM_000388.4 (MANE Select); coding-DNA position 1693, T replaced by C.
Protein change: p.Cys565Arg; replaces cysteine 565 with arginine.
Molecular consequence: missense variant.
Genome position (GRCh38, 1-based): chr3:122,282,197, T>C. VCF-style: chr3-122282197-T-C. GRCh37 (hg19) VCF-style: chr3-122001044-T-C.
Other names: c.1723T>C, p.Cys575Arg (NM_001178065.2); short protein forms C575R, C565R.
Identifiers: ClinVar variation 801343 (VCV000801343.3), dbSNP rs1559967708, ClinGen allele CA354156290.